The following is an entry in ClinVar:

NM_138694.4(PKHD1):c.8987dup (p.Gly2997fs)

Gene: PKHD1 (PKHD1 ciliary IPT domain containing fibrocystin/polyductin; minus strand). Cytogenetic location: 6p12.3.
Variant type: Duplication.
Coding change: c.8987dup on transcript NM_138694.4 (MANE Select); coding-DNA position 8987, one base duplicated (T; older notation c.8987dupT).
Protein change: p.Gly2997fs; shifts the reading frame from glycine 2997.
Molecular consequence: frameshift variant.
Genome position (GRCh38, 1-based): chr6:51,748,629, A duplicated on the plus strand (T on the coding strand, the reverse complement: PKHD1 is on the minus strand); the first of 2 consecutive A bases (chr6:51,748,629-51,748,630); duplicating either gives the same sequence. VCF-style (leftmost placement, unchanged base first): chr6-51748628-G-GA. GRCh37 (hg19) VCF-style: chr6-51613426-G-GA.
Other names: c.8987dup, p.Gly2997fs (NM_170724.3); short protein forms G2997fs.
Identifiers: ClinVar variation 1726124 (VCV001726124.2), dbSNP rs2533834113, ClinGen allele CA2580075493.

ClinVar aggregate classification (germline): Likely pathogenic (1 of 4 stars; one submission).

Conditions:
Polycystic kidney disease 4 (PKD4). Also called: POLYCYSTIC KIDNEY AND HEPATIC DISEASE 1; POLYCYSTIC KIDNEY DISEASE, INFANTILE, TYPE I; POLYCYSTIC KIDNEY DISEASE 4 WITH OR WITHOUT POLYCYSTIC LIVER DISEASE; PKD3; Autosomal Recessive Polycystic Kidney Disease – PKHD1. Identifiers: MedGen C4540575, MONDO:0033004, OMIM 263200.

Submission:

Myriad Genetics, Inc.
Classification: Likely pathogenic for Polycystic kidney disease 4. Last evaluated: 2022-05-18. Review status: criteria provided, single submitter. Criteria: Myriad Women's Health Autosomal Recessive and X-Linked Classification Criteria (2021). Collection method: clinical testing. Allele origin: unknown.
Comment: NM_138694.3(PKHD1):c.8987dupT(G2997Rfs*9) is expected to be pathogenic in the context of autosomal recessive polycystic kidney disease, PKHD1-related. This variant is predicted to lead to an abnormal or absent protein product due to the creation of a premature termination codon in PKHD1, a gene where loss-of-function variants are known to be pathogenic. Please note: this variant was assessed in the context of healthy population screening.